The following is an entry in ClinVar:

NM_001698.3(AUH):c.25C>G (p.Pro9Ala)

Genes: AUH (AU RNA binding methylglutaconyl-CoA hydratase; minus strand), LOC130002059 (ATAC-STARR-seq lymphoblastoid silent region 20025; plus strand). Cytogenetic location: 9q22.31.
Variant type: single nucleotide variant.
Coding change: c.25C>G on transcript NM_001698.3 (MANE Select); coding-DNA position 25, C replaced by G.
Protein change: p.Pro9Ala; replaces proline 9 with alanine.
Molecular consequence: missense variant. On other transcripts: 5 prime UTR variant (3).
Genome position (GRCh38, 1-based): chr9:91,361,865, G>C on the plus strand (C>G on the coding strand, the complement: AUH is on the minus strand). VCF-style: chr9-91361865-G-C. GRCh37 (hg19) VCF-style: chr9-94124147-G-C.
Other names: c.25C>G, p.Pro9Ala (NM_001306190.2); c.-373C>G (NM_001351431.2, NM_001351433.2); c.-465C>G (NM_001351432.2); short protein forms P9A.
Identifiers: ClinVar variation 1517551 (VCV001517551.8), dbSNP rs1461159226, ClinGen allele CA373836780.

ClinVar aggregate classification (germline): Uncertain significance (1 of 4 stars; one submission).

Conditions:
3-methylglutaconic aciduria type 1 (MGCA1). Identifiers: Orphanet 67046, MedGen C0342727, MONDO:0009610, OMIM 250950.

Allele frequency attached by ClinVar (database versions not stated): TOPMed 0.00001; gnomAD 0.00001.
gnomAD v4.1: 7 of 1,473,936 alleles (0.00047%); highest among the groups gnomAD compares: Non-Finnish European, 0.00063%; no homozygotes.

Submission:

Labcorp Genetics (formerly Invitae), Labcorp
Classification: Uncertain significance for 3-methylglutaconic aciduria type 1. Last evaluated: 2022-08-20. Review status: criteria provided, single submitter. Criteria: Invitae Variant Classification Sherloc (09022015). Collection method: clinical testing. Allele origin: germline.
Comment: In summary, the available evidence is currently insufficient to determine the role of this variant in disease. Therefore, it has been classified as a Variant of Uncertain Significance. Algorithms developed to predict the effect of sequence changes on RNA splicing suggest that this variant may create or strengthen a splice site. Algorithms developed to predict the effect of missense changes on protein structure and function are either unavailable or do not agree on the potential impact of this missense change (SIFT: "Tolerated"; PolyPhen-2: "Not Available"; Align-GVGD: "Class C0"). ClinVar contains an entry for this variant (Variation ID: 1517551). This variant has not been reported in the literature in individuals affected with AUH-related conditions. This variant is not present in population databases (gnomAD no frequency). This sequence change replaces proline, which is neutral and non-polar, with alanine, which is neutral and non-polar, at codon 9 of the AUH protein (p.Pro9Ala).